The following is an entry in ClinVar:

ClinVar aggregate classification (germline): Uncertain significance (1 of 4 stars; one submission).

Allele frequency attached by ClinVar (database versions not stated): gnomAD exomes below 0.00001.
gnomAD v4.1: 3 of 1,614,114 alleles (0.00019%); highest among the groups gnomAD compares: Non-Finnish European, 0.00017%; no homozygotes.

Submission:

Ambry Genetics
Classification: Uncertain significance. Last evaluated: 2022-11-25. Review status: criteria provided, single submitter. Criteria: Ambry Variant Classification Scheme 2023. Collection method: clinical testing. Allele origin: germline.
Comment: The p.P779S variant (also known as c.2335C>T), located in coding exon 4 of the ALPK2 gene, results from a C to T substitution at nucleotide position 2335. The proline at codon 779 is replaced by serine, an amino acid with similar properties. This amino acid position is conserved. In addition, this alteration is predicted to be tolerated by in silico analysis. Since supporting evidence is limited at this time, the clinical significance of this alteration remains unclear.

NM_052947.4(ALPK2):c.2335C>T (p.Pro779Ser)

Gene: ALPK2 (alpha kinase 2; minus strand). Cytogenetic location: 18q21.31.
Variant type: single nucleotide variant.
Coding change: c.2335C>T on transcript NM_052947.4 (MANE Select); coding-DNA position 2335, C replaced by T.
Protein change: p.Pro779Ser; replaces proline 779 with serine.
Molecular consequence: missense variant.
Genome position (GRCh38, 1-based): chr18:58,537,852, G>A on the plus strand (C>T on the coding strand, the complement: ALPK2 is on the minus strand). VCF-style: chr18-58537852-G-A. GRCh37 (hg19) VCF-style: chr18-56205084-G-A.
Other names: short protein forms P779S.
Identifiers: ClinVar variation 2449213 (VCV002449213.2), dbSNP rs1229176909, ClinGen allele CA402570990.